The following is an entry in ClinVar:

NM_004281.4(BAG3):c.667C>G (p.Pro223Ala)

Gene: BAG3 (BAG cochaperone 3; plus strand). Cytogenetic location: 10q26.11.
Variant type: single nucleotide variant.
Coding change: c.667C>G on transcript NM_004281.4 (MANE Select); coding-DNA position 667, C replaced by G.
Protein change: p.Pro223Ala; replaces proline 223 with alanine.
Molecular consequence: missense variant.
Genome position (GRCh38, 1-based): chr10:119,672,414, C>G. VCF-style: chr10-119672414-C-G. GRCh37 (hg19) VCF-style: chr10-121431926-C-G.
Other names: short protein forms P223A.
Identifiers: ClinVar variation 1714812 (VCV001714812.6), dbSNP rs1847164250, ClinGen allele CA378295547.
Genomic context (GRCh38, chr10:119,672,414, plus strand): 5'-CGGGGGTACATCTCCATTCCGGTGATACACGAGCAGAACGTTACCCGGCCAGCAGCCCAG[C>G]CCTCCTTCCACCAAGCCCAGAAGACGCACTACCCAGCGCAGCAGGGGGAGTACCAGACCC-3'
Protein context (NP_004272.2, residues 213-233): EQNVTRPAAQ[Pro223Ala]SFHQAQKTHY

ClinVar aggregate classification (germline): Uncertain significance (1 of 4 stars; one submission).

Conditions:
Myofibrillar myopathy 6. Identifiers: Orphanet 199340, MedGen C2751831, MONDO:0013061, OMIM 612954.
Dilated cardiomyopathy 1HH (CMD1HH). Identifiers: Orphanet 154, MedGen C3151293, MONDO:0013479, OMIM 613881.

gnomAD v4.1: 1 of 1,614,182 alleles (0.000062%); highest among the groups gnomAD compares: Non-Finnish European, 0.000085%; no homozygotes.

Submission:

Labcorp Genetics (formerly Invitae), Labcorp
Classification: Uncertain significance for Dilated cardiomyopathy 1HH; Myofibrillar myopathy 6. Last evaluated: 2025-08-21. Review status: criteria provided, single submitter. Criteria: Invitae Variant Classification Sherloc (09022015). Collection method: clinical testing. Allele origin: germline.
Comment: This sequence change replaces proline, which is neutral and non-polar, with alanine, which is neutral and non-polar, at codon 223 of the BAG3 protein (p.Pro223Ala). This variant is not present in population databases (gnomAD no frequency). This variant has not been reported in the literature in individuals affected with BAG3-related conditions. ClinVar contains an entry for this variant (Variation ID: 1714812). An algorithm developed to predict the effect of missense changes on protein structure and function outputs the following: PolyPhen-2: "Benign". The alanine amino acid residue is found in multiple mammalian species, which suggests that this missense change does not adversely affect protein function. In summary, the available evidence is currently insufficient to determine the role of this variant in disease. Therefore, it has been classified as a Variant of Uncertain Significance.